The following is an entry in ClinVar:

NM_152564.5(VPS13B):c.5798T>C (p.Ile1933Thr)

Gene: VPS13B (vacuolar protein sorting 13 homolog B; plus strand). Cytogenetic location: 8q22.2.
Variant type: single nucleotide variant.
Coding change: c.5798T>C on transcript NM_152564.5 (MANE Select); coding-DNA position 5798, T replaced by C.
Protein change: p.Ile1933Thr; replaces isoleucine 1933 with threonine.
Molecular consequence: missense variant.
Genome position (GRCh38, 1-based): chr8:99,642,388, T>C. VCF-style: chr8-99642388-T-C. GRCh37 (hg19) VCF-style: chr8-100654616-T-C.
Other names: c.5873T>C, p.Ile1958Thr (NM_017890.5); short protein forms I1933T, I1958T.
Identifiers: ClinVar variation 3627914 (VCV003627914.2).

ClinVar aggregate classification (germline): Uncertain significance (1 of 4 stars; one submission).

Conditions:
Cohen syndrome (COH1). Also called: Cutis verticis gyrata, retinitis pigmentosa, and sensorineural deafness; PEPPER SYNDROME. Identifiers: Orphanet 193, MedGen C0265223, MONDO:0008999, OMIM 216550.

gnomAD v4.1: 4 of 1,614,018 alleles (0.00025%); highest among the groups gnomAD compares: Middle Eastern, 0.016%; no homozygotes.

Submission:

Labcorp Genetics (formerly Invitae), Labcorp
Classification: Uncertain significance for Cohen syndrome. Last evaluated: 2024-07-20. Review status: criteria provided, single submitter. Criteria: Invitae Variant Classification Sherloc (09022015). Collection method: clinical testing. Allele origin: germline.
Comment: This sequence change replaces isoleucine, which is neutral and non-polar, with threonine, which is neutral and polar, at codon 1958 of the VPS13B protein (p.Ile1958Thr). This variant is present in population databases (no rsID available, gnomAD 0.01%). This variant has not been reported in the literature in individuals affected with VPS13B-related conditions. Advanced modeling of protein sequence and biophysical properties (such as structural, functional, and spatial information, amino acid conservation, physicochemical variation, residue mobility, and thermodynamic stability) performed at Invitae indicates that this missense variant is not expected to disrupt VPS13B protein function with a negative predictive value of 80%. In summary, the available evidence is currently insufficient to determine the role of this variant in disease. Therefore, it has been classified as a Variant of Uncertain Significance.